The following is an entry in ClinVar:

ClinVar aggregate classification (germline): Conflicting classifications of pathogenicity. Review status: criteria provided, conflicting classifications (1 of 4 stars). 9 submissions from 9 submitters: Uncertain significance (1); Likely benign (7). 1 of the submissions does not count toward it. Last evaluated 2026-09-01.

Conditions:
Familial dysautonomia. Also called: HSAN III; FD. Identifiers: Orphanet 1764, MedGen C0013364, MONDO:0009131, OMIM 223900. Disease mechanism: loss of function.

Allele frequency attached by ClinVar (database versions not stated): gnomAD 0.00042 and 0.00043; 1000 Genomes Project 30x 0.00047; gnomAD exomes 0.00051 and 0.00082; ExAC 0.00053; TOPMed 0.00053; 1000 Genomes Project 0.00060; ESP Exome Variant Server 0.00069.

Submissions (9):

CeGaT Center for Human Genetics Tuebingen
Classification: Likely benign. Last evaluated: 2026-09-01. Review status: criteria provided, single submitter. Criteria: CeGaT Center For Human Genetics Tuebingen Variant Classification Criteria Version 2. Collection method: clinical testing. Allele origin: germline. Affected: yes. Observed: 7 variant alleles.
Comment: ELP1: BP4, BP7

Labcorp Genetics (formerly Invitae), Labcorp
Classification: Likely benign. Last evaluated: 2026-01-22. Review status: criteria provided, single submitter. Criteria: Invitae Variant Classification Sherloc (09022015). Collection method: clinical testing. Allele origin: germline.

Mayo Clinic Laboratories, Mayo Clinic
Classification: Likely benign. Last evaluated: 2025-04-15. Review status: criteria provided, single submitter. Criteria: ACMG Guidelines, 2015. Collection method: clinical testing. Allele origin: germline. Observed: 3 variant alleles.
Comment: BP4, BP7

Laboratory of Genetics, Children's Clinical University Hospital Latvia
Classification: Likely benign. Last evaluated: 2025-02-16. Review status: criteria provided, single submitter. Criteria: ACMG Guidelines, 2015. Collection method: clinical testing. Allele origin: germline. Affected: yes.

Ambry Genetics
Classification: Likely benign. Last evaluated: 2022-08-01. Review status: criteria provided, single submitter. Criteria: Ambry Variant Classification Scheme 2023. Collection method: clinical testing. Allele origin: germline.

Genome-Nilou Lab
Classification: Likely benign for Familial dysautonomia. Last evaluated: 2021-05-18. Review status: criteria provided, single submitter. Criteria: ACMG Guidelines, 2015. Collection method: clinical testing. Allele origin: germline. Affected: no.

GeneDx
Classification: Likely benign. Last evaluated: 2020-07-30. Review status: criteria provided, single submitter. Criteria: GeneDx Variant Classification Process June 2021. Collection method: clinical testing. Allele origin: germline. Affected: yes.

Illumina Laboratory Services, Illumina
Classification: Uncertain significance for Familial dysautonomia. Last evaluated: 2018-01-13. Review status: criteria provided, single submitter. Criteria: ICSL Variant Classification Criteria 13 December 2019. Collection method: clinical testing. Allele origin: germline.

Natera, Inc.
Classification: Likely benign for Hereditary sensory and autonomic neuropathy type III. Last evaluated: 2019-12-17. Review status: no assertion criteria provided. Collection method: clinical testing. Allele origin: germline. Not counted in ClinVar's aggregate classification.

NM_003640.5(ELP1):c.948G>A (p.Pro316=)

Gene: ELP1 (elongator acetyltransferase complex subunit 1; minus strand). Cytogenetic location: 9q31.3.
Variant type: single nucleotide variant.
Coding change: c.948G>A on transcript NM_003640.5 (MANE Select); coding-DNA position 948, G replaced by A.
Protein change: p.Pro316=; no amino-acid change (proline 316 retained).
Molecular consequence: synonymous variant. On other transcripts: 5 prime UTR variant (1).
Genome position (GRCh38, 1-based): chr9:108,916,214, C>T on the plus strand (G>A on the coding strand, the complement: ELP1 is on the minus strand). VCF-style: chr9-108916214-C-T. GRCh37 (hg19) VCF-style: chr9-111678494-C-T.
Other names: p.Pro316=; c.948G>A (LRG_251t1); c.606G>A, p.Pro202= (NM_001318360.2); c.-100G>A (NM_001330749.2).
Identifiers: ClinVar variation 455974 (VCV000455974.85), dbSNP rs148917889, ClinGen allele CA5175186.